The following is an entry in ClinVar:

NC_000023.10:g.(?_77264579)_(77264780_?)dup

Gene: ATP7A (ATPase copper transporting alpha; plus strand). Cytogenetic location: Xq21.1.
Variant type: Duplication.
Identifiers: ClinVar variation 2422239 (VCV002422239.4).

ClinVar aggregate classification (germline): Uncertain significance (1 of 4 stars; one submission).

Conditions:
X-linked distal spinal muscular atrophy type 3. Also called: NEURONOPATHY, DISTAL HEREDITARY MOTOR, X-LINKED; NEUROPATHY, DISTAL HEREDITARY MOTOR, X-LINKED; ATP7A-Related Distal Motor Neuropathy; SPINAL MUSCULAR ATROPHY, DISTAL, X-LINKED RECESSIVE. Identifiers: Orphanet 139557, MedGen C1845359, MONDO:0010338, OMIM 300489.
Menkes kinky-hair syndrome (MNK). Also called: Classic Menkes Disease; Copper transport disease; Menkes Disease. Identifiers: Orphanet 565, MedGen C0022716, MONDO:0010651, OMIM 309400.
Cutis laxa, X-linked (OHS). Also called: EDS IX; Occipital horn syndrome. Identifiers: Orphanet 198, MedGen C0268353, MONDO:0010572, OMIM 304150.

Submission:

Labcorp Genetics (formerly Invitae), Labcorp
Classification: Uncertain significance for X-linked distal spinal muscular atrophy type 3; Cutis laxa, X-linked; Menkes kinky-hair syndrome. Last evaluated: 2021-12-21. Review status: criteria provided, single submitter. Criteria: Invitae Variant Classification Sherloc (09022015). Collection method: clinical testing. Allele origin: germline.
Comment: This variant results in a copy number gain of the genomic region encompassing exon(s) 7 of the ATP7A gene. While the exact position of this variant cannot be determined from the data, sub-genic copy number gains are generally in tandem (PMID: 25640679). This variant is predicted to be in-frame, and likely preserves the integrity of the reading frame. This variant has not been reported in the literature in individuals affected with ATP7A-related conditions. Experimental studies and prediction algorithms are not available or were not evaluated, and the functional significance of this variant is currently unknown. In summary, the available evidence is currently insufficient to determine the role of this variant in disease. Therefore, it has been classified as a Variant of Uncertain Significance.

Literature cited by the submitters: PubMed 25640679.